The following is an entry in ClinVar:

ClinVar aggregate classification (germline): Conflicting classifications of pathogenicity. Review status: criteria provided, conflicting classifications (1 of 4 stars). 6 submissions from 6 submitters: Uncertain significance (5); Likely benign (1). Last evaluated 2025-01-14.

Conditions:
NTHL1-deficiency tumor predisposition syndrome. Identifiers: MedGen CN315924, MONDO:0100502.
Familial adenomatous polyposis 3. Also called: NTHL1-related attenuated familial adenomatous polyposis; NTHL1-Related Adenomatous Polyposis and Colorectal Cancer; NTHL1-associated polyposis; NTHL1 Tumor Syndrome. Identifiers: Orphanet 220460, Orphanet 454840, MedGen C4225157, MONDO:0014630, OMIM 616415.
Hereditary cancer-predisposing syndrome. Also called: Neoplastic Syndromes, Hereditary; Hereditary neoplastic syndrome; Tumor predisposition; Hereditary Cancer Syndrome. Identifiers: Orphanet 140162, MedGen C0027672, MeSH D009386, MONDO:0015356.

Allele frequency attached by ClinVar (database versions not stated): gnomAD exomes 0.00002 and 0.00003; ExAC 0.00004.
gnomAD v4.1: 26 of 1,612,854 alleles (0.0016%); highest among the groups gnomAD compares: South Asian, 0.026%; no homozygotes.

Submissions (6):

Ambry Genetics
Classification: Likely benign for Hereditary cancer-predisposing syndrome. Last evaluated: 2025-01-14. Review status: criteria provided, single submitter. Criteria: Ambry Variant Classification Scheme 2023. Collection method: clinical testing. Allele origin: germline.

Baylor Genetics
Classification: Uncertain significance for Familial adenomatous polyposis 3. Last evaluated: 2024-03-17. Review status: criteria provided, single submitter. Criteria: ACMG Guidelines, 2015. Collection method: clinical testing. Allele origin: unknown.

Quest Diagnostics Nichols Institute San Juan Capistrano
Classification: Uncertain significance. Last evaluated: 2024-01-11. Review status: criteria provided, single submitter. Criteria: Quest Diagnostics criteria. Collection method: clinical testing. Allele origin: unknown.
Comment: The NTHL1 c.200C>T (p.Ala67Val) variant has not been reported in individuals with NTHL1-related conditions in the published literature. The frequency of this variant in the general population, 0.0002 (6/30616 chromosomes (Genome Aggregation Database)), is uninformative in the assessment of its pathogenicity. Analysis of this variant using bioinformatics tools for the prediction of the effect of amino acid changes on protein structure and function yielded predictions that this variant is benign. Based on the available information, we are unable to determine the clinical significance of this variant.

Labcorp Genetics (formerly Invitae), Labcorp
Classification: Uncertain significance. Last evaluated: 2023-12-27. Review status: criteria provided, single submitter. Criteria: Invitae Variant Classification Sherloc (09022015). Collection method: clinical testing. Allele origin: germline.
Comment: This sequence change replaces alanine, which is neutral and non-polar, with valine, which is neutral and non-polar, at codon 67 of the NTHL1 protein (p.Ala67Val). This variant is present in population databases (rs749810824, gnomAD 0.02%). This variant has not been reported in the literature in individuals affected with NTHL1-related conditions. ClinVar contains an entry for this variant (Variation ID: 860315). An algorithm developed to predict the effect of missense changes on protein structure and function (PolyPhen-2) suggests that this variant¬†is likely to be tolerated. In summary, the available evidence is currently insufficient to determine the role of this variant in disease. Therefore, it has been classified as a Variant of Uncertain Significance.

Department of Pathology and Laboratory Medicine, Sinai Health System
Classification: Uncertain significance for NTHL1-deficiency tumor predisposition syndrome. Last evaluated: 2021-07-23. Review status: criteria provided, single submitter. Criteria: ACMG Guidelines, 2015. Collection method: clinical testing. Allele origin: germline. Affected: yes.

GeneDx
Classification: Uncertain significance. Last evaluated: 2019-09-25. Review status: criteria provided, single submitter. Criteria: GeneDx Variant Classification Process June 2021. Collection method: clinical testing. Allele origin: germline. Affected: yes.
Comment: In silico analysis, which includes protein predictors and evolutionary conservation, supports that this variant does not alter protein structure/function; Has not been previously published as pathogenic or benign to our knowledge

Literature cited by the submitters: PubMed 26214590 (cited by Quest Diagnostics Nichols Institute San Juan Capistrano).

NM_002528.7(NTHL1):c.176C>T (p.Ala59Val)

Gene: NTHL1 (nth like DNA glycosylase 1; minus strand). Cytogenetic location: 16p13.3.
Variant type: single nucleotide variant.
Coding change: c.176C>T on transcript NM_002528.7 (MANE Select); coding-DNA position 176, C replaced by T.
Protein change: p.Ala59Val; replaces alanine 59 with valine.
Molecular consequence: missense variant. On other transcripts: 5 prime UTR variant (1).
Genome position (GRCh38, 1-based): chr16:2,046,306, G>A on the plus strand (C>T on the coding strand, the complement: NTHL1 is on the minus strand). VCF-style: chr16-2046306-G-A. GRCh37 (hg19) VCF-style: chr16-2096307-G-A.
Other names: c.176C>T, p.Ala59Val (NM_001318193.2); c.-3C>T (NM_001318194.2); short protein forms A59V.
Identifiers: ClinVar variation 860315 (VCV000860315.12), dbSNP rs749810824, ClinGen allele CA7828348.